The following is an entry in ClinVar:

NM_001128225.3(SLC39A13):c.302-3T>C

Gene: SLC39A13 (solute carrier family 39 member 13; plus strand). Cytogenetic location: 11p11.2.
Variant type: single nucleotide variant.
Coding change: c.302-3T>C on transcript NM_001128225.3 (MANE Select); 3 bases into the intron before coding-DNA position 302, T replaced by C.
Molecular consequence: intron variant.
Genome position (GRCh38, 1-based): chr11:47,411,923, T>C. VCF-style: chr11-47411923-T-C. GRCh37 (hg19) VCF-style: chr11-47433474-T-C.
Other names: c.302-3T>C (NM_152264.5, NM_001330245.2).
Identifiers: ClinVar variation 653236 (VCV000653236.12), dbSNP rs371414744, ClinGen allele CA5975732.

ClinVar aggregate classification (germline): Conflicting classifications of pathogenicity. Review status: criteria provided, conflicting classifications (1 of 4 stars). 3 submissions from 3 submitters: Uncertain significance (2); Likely benign (1). Last evaluated 2020-09-18.

Conditions:
Ehlers-Danlos syndrome, spondylodysplastic type, 3. Also called: Ehlers-Danlos syndrome, spondylocheirodysplastic type. Identifiers: Orphanet 157965, MedGen C2676510, MONDO:0012873, OMIM 612350.

Allele frequency attached by ClinVar (database versions not stated): gnomAD exomes 0.00001 and 0.00002; ExAC 0.00003; TOPMed 0.00006; ESP Exome Variant Server 0.00008; gnomAD 0.00011 and 0.00012.
gnomAD v4.1: 29 of 1,612,424 alleles (0.0018%); highest among the groups gnomAD compares: African/African-American, 0.036%; no homozygotes.

Submissions (3):

Revvity Omics, Revvity
Classification: Uncertain significance for Ehlers-Danlos syndrome, spondylodysplastic type, 3. Last evaluated: 2020-09-18. Review status: criteria provided, single submitter. Criteria: ACMG Guidelines, 2015. Collection method: clinical testing. Allele origin: germline.

GeneDx
Classification: Likely benign. Last evaluated: 2019-06-14. Review status: criteria provided, single submitter. Criteria: GeneDx Variant Classification Process June 2021. Collection method: clinical testing. Allele origin: germline. Affected: yes.

Labcorp Genetics (formerly Invitae), Labcorp
Classification: Uncertain significance for Ehlers-Danlos syndrome, spondylodysplastic type, 3. Last evaluated: 2018-11-12. Review status: criteria provided, single submitter. Criteria: Invitae Variant Classification Sherloc (09022015). Collection method: clinical testing. Allele origin: germline.
Comment: In summary, the available evidence is currently insufficient to determine the role of this variant in disease. Therefore, it has been classified as a Variant of Uncertain Significance. Nucleotide substitutions within the consensus splice site are a relatively common cause of aberrant splicing (PMID: 17576681, 9536098). Algorithms developed to predict the effect of sequence changes on RNA splicing suggest that this variant is not likely to affect RNA splicing, but this prediction has not been confirmed by published transcriptional studies. This variant has not been reported in the literature in individuals with SLC39A13-related disease. This variant is present in population databases (rs371414744, ExAC 0.04%). This sequence change falls in intron 2 of the SLC39A13 gene. It does not directly change the encoded amino acid sequence of the SLC39A13 protein, but it affects a nucleotide within the consensus splice site of the intron.

Literature cited by the submitters: PubMed 17576681 (cited by Labcorp Genetics (formerly Invitae), Labcorp); PubMed 9536098 (cited by Labcorp Genetics (formerly Invitae), Labcorp).